The following is an entry in ClinVar:

ClinVar aggregate classification (germline): Likely benign. Review status: criteria provided, multiple submitters, no conflicts (2 of 4 stars). 2 submissions from 2 submitters: Likely benign (2). Last evaluated 2024-03-01.

Conditions:
Familial thoracic aortic aneurysm and aortic dissection (TAAD). Also called: Thoracic aortic aneurysms and dissections. Identifiers: Orphanet 91387, MedGen C4707243, MONDO:0019625.

Allele frequency attached by ClinVar (database versions not stated): gnomAD 0.00001.
gnomAD v4.1: 3 of 1,550,602 alleles (0.00019%); highest among the groups gnomAD compares: East Asian, 0.0024%; no homozygotes.

Submissions (2):

CeGaT Center for Human Genetics Tuebingen
Classification: Likely benign. Last evaluated: 2024-03-01. Review status: criteria provided, single submitter. Criteria: CeGaT Center For Human Genetics Tuebingen Variant Classification Criteria Version 2. Collection method: clinical testing. Allele origin: germline. Affected: yes. Observed: 1 variant allele.
Comment: COL5A1: BP4, BP7

Ambry Genetics
Classification: Likely benign for Familial thoracic aortic aneurysm and aortic dissection. Last evaluated: 2023-09-28. Review status: criteria provided, single submitter. Criteria: Ambry Variant Classification Scheme 2023. Collection method: clinical testing. Allele origin: germline.

NM_000093.5(COL5A1):c.4002C>T (p.Pro1334=)

Gene: COL5A1 (collagen type V alpha 1 chain; plus strand). Cytogenetic location: 9q34.3.
Variant type: single nucleotide variant.
Coding change: c.4002C>T on transcript NM_000093.5 (MANE Select); coding-DNA position 4002, C replaced by T.
Protein change: p.Pro1334=; no amino-acid change (proline 1334 retained).
Molecular consequence: synonymous variant.
Genome position (GRCh38, 1-based): chr9:134,814,892, C>T. VCF-style: chr9-134814892-C-T. GRCh37 (hg19) VCF-style: chr9-137706738-C-T.
Other names: c.4002C>T, p.Pro1334= (NM_001278074.1); c.4002C>T (NM_000093.3).
Identifiers: ClinVar variation 3067711 (VCV003067711.22), dbSNP rs1838682569, ClinGen allele CA467663560.
Genomic context (GRCh38, chr9:134,814,892, plus strand): 5'-AGGCCCTTCAGGTGCTGCCGGACCCCCTGGACCCAAAGGCCCTCCCGGAGATGATGGTCC[C>T]AAAGGCAGCCCTGTGAGTATTCCAGACACACCTCAGGGGCCCTGCAGCAGGGGCGGGGCT-3'
Protein context (NP_000084.3, residues 1324-1344): GPKGPPGDDG[Pro1334=]KGSPGPVGFP